The following is an entry in ClinVar:

ClinVar aggregate classification (germline): Uncertain significance. Review status: criteria provided, multiple submitters, no conflicts (2 of 4 stars). 2 submissions from 2 submitters: Uncertain significance (2). Last evaluated 2025-07-18.

Conditions:
Transcobalamin I deficiency (TCN1D). Also called: COBALAMIN PSEUDODEFICIENCY DUE TO TRANSCOBALAMIN DEFICIENCY; COBALAMIN R BINDER PROTEIN DEFICIENCY; TCN1 DEFICIENCY. Identifiers: Orphanet 2967, MedGen C0342700, MONDO:0008659, OMIM 193090.

Allele frequency attached by ClinVar (database versions not stated): TOPMed 0.00010.
gnomAD v4.1: 228 of 1,613,930 alleles (0.014%); highest among the groups gnomAD compares: Non-Finnish European, 0.018%; no homozygotes.

Submissions (2):

Ambry Genetics
Classification: Uncertain significance. Last evaluated: 2025-07-18. Review status: criteria provided, single submitter. Criteria: Ambry Variant Classification Scheme 2023. Collection method: clinical testing. Allele origin: germline.

Labcorp Genetics (formerly Invitae), Labcorp
Classification: Uncertain significance for Transcobalamin I deficiency. Last evaluated: 2021-09-01. Review status: criteria provided, single submitter. Criteria: Invitae Variant Classification Sherloc (09022015). Collection method: clinical testing. Allele origin: germline.
Comment: This sequence change replaces proline with leucine at codon 410 of the TCN1 protein (p.Pro410Leu). The proline residue is highly conserved and there is a moderate physicochemical difference between proline and leucine. This variant is present in population databases (rs751107761, ExAC 0.006%). This variant has not been reported in the literature in individuals affected with TCN1-related conditions. Algorithms developed to predict the effect of missense changes on protein structure and function (SIFT, PolyPhen-2, Align-GVGD) all suggest that this variant is likely to be tolerated. In summary, the available evidence is currently insufficient to determine the role of this variant in disease. Therefore, it has been classified as a Variant of Uncertain Significance.

NM_001062.4(TCN1):c.1229C>T (p.Pro410Leu)

Gene: TCN1 (transcobalamin 1; minus strand). Cytogenetic location: 11q12.1.
Variant type: single nucleotide variant.
Coding change: c.1229C>T on transcript NM_001062.4 (MANE Select); coding-DNA position 1229, C replaced by T.
Protein change: p.Pro410Leu; replaces proline 410 with leucine.
Molecular consequence: missense variant.
Genome position (GRCh38, 1-based): chr11:59,853,214, G>A on the plus strand (C>T on the coding strand, the complement: TCN1 is on the minus strand). VCF-style: chr11-59853214-G-A. GRCh37 (hg19) VCF-style: chr11-59620687-G-A.
Other names: short protein forms P410L.
Identifiers: ClinVar variation 948505 (VCV000948505.9), dbSNP rs751107761, ClinGen allele CA6021765.